The following is an entry in ClinVar:

NM_001190787.3(MCIDAS):c.706T>G (p.Ser236Ala)

Gene: MCIDAS (multiciliate differentiation and DNA synthesis associated cell cycle protein; minus strand). Cytogenetic location: 5q11.2.
Variant type: single nucleotide variant.
Coding change: c.706T>G on transcript NM_001190787.3 (MANE Select); coding-DNA position 706, T replaced by G.
Protein change: p.Ser236Ala; replaces serine 236 with alanine.
Molecular consequence: missense variant.
Genome position (GRCh38, 1-based): chr5:55,221,027, A>C on the plus strand (T>G on the coding strand, the complement: MCIDAS is on the minus strand). VCF-style: chr5-55221027-A-C. GRCh37 (hg19) VCF-style: chr5-54516855-A-C.
Other names: short protein forms S236A.
Identifiers: ClinVar variation 4710417 (VCV004710417.1).

ClinVar aggregate classification (germline): Uncertain significance (1 of 4 stars; one submission).

Conditions:
Primary ciliary dyskinesia. Also called: Ciliary dyskinesia. Identifiers: Orphanet 244, MedGen C0008780, MONDO:0016575, HP:0012265.

gnomAD v4.1: 12 of 1,535,720 alleles (0.00078%); highest among the groups gnomAD compares: Middle Eastern, 0.017%; no homozygotes.

Submission:

Labcorp Genetics (formerly Invitae), Labcorp
Classification: Uncertain significance for Primary ciliary dyskinesia. Last evaluated: 2025-03-29. Review status: criteria provided, single submitter. Criteria: Invitae Variant Classification Sherloc (09022015). Collection method: clinical testing. Allele origin: germline.
Comment: This sequence change replaces serine, which is neutral and polar, with alanine, which is neutral and non-polar, at codon 236 of the MCIDAS protein (p.Ser236Ala). This variant is present in population databases (no rsID available, gnomAD 0.007%). This variant has not been reported in the literature in individuals affected with MCIDAS-related conditions. Invitae Evidence Modeling of protein sequence and biophysical properties (such as structural, functional, and spatial information, amino acid conservation, physicochemical variation, residue mobility, and thermodynamic stability) indicates that this missense variant is not expected to disrupt MCIDAS protein function with a negative predictive value of 80%. In summary, the available evidence is currently insufficient to determine the role of this variant in disease. Therefore, it has been classified as a Variant of Uncertain Significance.